The following is an entry in ClinVar:

ClinVar aggregate classification (germline): Conflicting classifications of pathogenicity. Review status: criteria provided, conflicting classifications (1 of 4 stars). 4 submissions from 4 submitters: Uncertain significance (2); Likely benign (1). 1 of the submissions does not count toward it. Last evaluated 2025-12-16.

Conditions:
Inborn genetic diseases. Identifiers: MedGen C0950123, MeSH D030342.
Retinal dystrophy. Also called: Inherited retinal dystrophy. Identifiers: Orphanet 71862, MedGen C0854723, MeSH D058499, MONDO:0019118, HP:0000556.

Allele frequency attached by ClinVar (database versions not stated): ExAC 0.00017; TOPMed 0.00018; gnomAD 0.00024 and 0.00025.
gnomAD v4.1: 296 of 1,501,796 alleles (0.02%); highest among the groups gnomAD compares: Non-Finnish European, 0.025%; no homozygotes.

Submissions (4):

Labcorp Genetics (formerly Invitae), Labcorp
Classification: Uncertain significance. Last evaluated: 2025-12-16. Review status: criteria provided, single submitter. Criteria: Invitae Variant Classification Sherloc (09022015). Collection method: clinical testing. Allele origin: germline.
Comment: This sequence change replaces arginine, which is basic and polar, with leucine, which is neutral and non-polar, at codon 193 of the HMX1 protein (p.Arg193Leu). This variant is present in population databases (rs773754788, gnomAD 0.04%). This variant has not been reported in the literature in individuals affected with HMX1-related conditions. ClinVar contains an entry for this variant (Variation ID: 847811). Invitae Evidence Modeling of protein sequence and biophysical properties (such as structural, functional, and spatial information, amino acid conservation, physicochemical variation, residue mobility, and thermodynamic stability) indicates that this missense variant is not expected to disrupt HMX1 protein function with a negative predictive value of 80%. In summary, the available evidence is currently insufficient to determine the role of this variant in disease. Therefore, it has been classified as a Variant of Uncertain Significance.

Ambry Genetics
Classification: Uncertain significance for Inborn genetic diseases. Last evaluated: 2025-08-29. Review status: criteria provided, single submitter. Criteria: Ambry Variant Classification Scheme 2023. Collection method: clinical testing. Allele origin: germline.

Blueprint Genetics
Classification: Likely benign. Last evaluated: 2024-09-15. Review status: criteria provided, single submitter. Criteria: ACMG Guidelines, 2015. Collection method: clinical testing. Allele origin: germline.

Institute of Human Genetics, Univ. Regensburg, Univ. Regensburg
Classification: Uncertain significance for Retinal dystrophy. Last evaluated: 2023-01-01. Review status: no assertion criteria provided. Criteria: ACMG Guidelines, 2015. Collection method: clinical testing. Allele origin: germline. Affected: yes. Not counted in ClinVar's aggregate classification.

NM_018942.3(HMX1):c.578G>T (p.Arg193Leu)

Gene: HMX1 (H6 family homeobox 1; minus strand). Cytogenetic location: 4p16.1.
Variant type: single nucleotide variant.
Coding change: c.578G>T on transcript NM_018942.3 (MANE Select); coding-DNA position 578, G replaced by T.
Protein change: p.Arg193Leu; replaces arginine 193 with leucine.
Molecular consequence: missense variant. On other transcripts: intron variant (1).
Genome position (GRCh38, 1-based): chr4:8,868,162, C>A on the plus strand (G>T on the coding strand, the complement: HMX1 is on the minus strand). VCF-style: chr4-8868162-C-A. GRCh37 (hg19) VCF-style: chr4-8869888-C-A.
Other names: c.394+3059G>T (NM_001306142.2); short protein forms R193L.
Identifiers: ClinVar variation 847811 (VCV000847811.11), dbSNP rs773754788, ClinGen allele CA2854296.